The following is an entry in ClinVar:

ClinVar aggregate classification (germline): Conflicting classifications of pathogenicity. Review status: criteria provided, conflicting classifications (1 of 4 stars). 5 submissions from 5 submitters: Uncertain significance (1); Likely benign (4). Last evaluated 2025-12-24.

Conditions:
Hereditary cancer-predisposing syndrome. Also called: Neoplastic Syndromes, Hereditary; Hereditary Cancer Syndrome; Tumor predisposition; Hereditary neoplastic syndrome. Identifiers: Orphanet 140162, MedGen C0027672, MeSH D009386, MONDO:0015356.
Multiple endocrine neoplasia, type 2 (MEN2). Identifiers: Orphanet 653, MedGen C4048306, MONDO:0019003. Disease mechanism: gain of function.

Allele frequency attached by ClinVar (database versions not stated): gnomAD exomes 0.00001.
gnomAD v4.1: 9 of 1,613,872 alleles (0.00056%); highest among the groups gnomAD compares: Middle Eastern, 0.033%; no homozygotes.

Submissions (5):

Labcorp Genetics (formerly Invitae), Labcorp
Classification: Likely benign for Multiple endocrine neoplasia, type 2. Last evaluated: 2025-12-24. Review status: criteria provided, single submitter. Criteria: Invitae Variant Classification Sherloc (09022015). Collection method: clinical testing. Allele origin: germline.

All of Us Research Program, National Institutes of Health
Classification: Likely benign for Multiple endocrine neoplasia, type 2. Last evaluated: 2023-09-17. Review status: criteria provided, single submitter. Criteria: ACMG Guidelines, 2015. Collection method: clinical testing. Allele origin: germline. Inheritance: Autosomal dominant inheritance. Observed: 2 variant alleles, 2 heterozygotes.
Comment: This study involves interpretation of variants in research participants for the purpose of population health screening. Participant phenotype was not available at the time of variant classification. Additional details can be found in publication PMID: 35346344, PMCID: PMC8962531

Color Diagnostics, LLC DBA Color Health
Classification: Likely benign for Multiple endocrine neoplasia, type 2. Last evaluated: 2022-11-11. Review status: criteria provided, single submitter. Criteria: ACMG Guidelines, 2015. Collection method: clinical testing. Allele origin: germline.

Ambry Genetics
Classification: Likely benign for Hereditary cancer-predisposing syndrome. Last evaluated: 2018-03-30. Review status: criteria provided, single submitter. Criteria: Ambry Variant Classification Scheme 2023. Collection method: clinical testing. Allele origin: germline.

Eurofins Ntd Llc (ga)
Classification: Uncertain significance. Last evaluated: 2017-10-04. Review status: criteria provided, single submitter. Criteria: EGL Classification Definitions 2015. Collection method: clinical testing. Allele origin: germline. Observed: 1 variant allele, 1 heterozygote.

NM_020975.6(RET):c.237G>T (p.Arg79=)

Gene: RET (ret proto-oncogene; plus strand). Cytogenetic location: 10q11.21.
Variant type: single nucleotide variant.
Coding change: c.237G>T on transcript NM_020975.6 (MANE Select); coding-DNA position 237, G replaced by T.
Protein change: p.Arg79=; no amino-acid change (arginine 79 retained).
Molecular consequence: synonymous variant. On other transcripts: intron variant (4).
Genome position (GRCh38, 1-based): chr10:43,100,622, G>T. VCF-style: chr10-43100622-G-T. GRCh37 (hg19) VCF-style: chr10-43596070-G-T.
Other names: c.237G>T, p.Arg79= (NM_000323.2, NM_001406759.1, NM_001406743.1 and 34 more transcripts); c.74-8409G>T (NM_001406784.1); c.74-11477G>T (NM_001406794.1, NM_001406792.1, NM_001406793.1).
Identifiers: ClinVar variation 543769 (VCV000543769.20), dbSNP rs1554817395, ClinGen allele CA469490672.
Genomic context (GRCh38, chr10:43,100,622, plus strand): 5'-CCCTGAGGAGGTGCCCAGCTTCCGCCTGGGCCAGCATCTCTACGGCACGTACCGCACACG[G>T]CTGCATGAGAACAACTGGATCTGCATCCAGGAGGACACCGGCCTCCTCTACCTTAACCGG-3'
Protein context (NP_066124.1, residues 69-89): GQHLYGTYRT[Arg79=]LHENNWICIQ